The following is an entry in ClinVar:

NM_018263.6(ASXL2):c.4187C>T (p.Thr1396Met)

Gene: ASXL2 (ASXL transcriptional regulator 2; minus strand). Cytogenetic location: 2p23.3.
Variant type: single nucleotide variant.
Coding change: c.4187C>T on transcript NM_018263.6 (MANE Select); coding-DNA position 4187, C replaced by T.
Protein change: p.Thr1396Met; replaces threonine 1396 with methionine.
Molecular consequence: missense variant.
Genome position (GRCh38, 1-based): chr2:25,742,150, G>A on the plus strand (C>T on the coding strand, the complement: ASXL2 is on the minus strand). VCF-style: chr2-25742150-G-A. GRCh37 (hg19) VCF-style: chr2-25965019-G-A.
Other names: c.4187C>T (NM_018263.4); c.4013C>T, p.Thr1338Met (NM_001369346.1); c.3407C>T, p.Thr1136Met (NM_001369347.1); short protein forms T1136M, T1338M, T1396M.
Identifiers: ClinVar variation 2055420 (VCV002055420.6), dbSNP rs750809033, ClinGen allele CA1557341.

ClinVar aggregate classification (germline): Conflicting classifications of pathogenicity. Review status: criteria provided, conflicting classifications (1 of 4 stars). 3 submissions from 3 submitters: Uncertain significance (2); Likely benign (1). Last evaluated 2025-06-24.

Conditions:
Inborn genetic diseases. Identifiers: MedGen C0950123, MeSH D030342.

Allele frequency attached by ClinVar (database versions not stated): gnomAD 0.00001; TOPMed 0.00001; ExAC 0.00002; gnomAD exomes 0.00002.
gnomAD v4.1: 32 of 1,613,912 alleles (0.002%); highest among the groups gnomAD compares: East Asian, 0.0045%; no homozygotes.

Submissions (3):

Ambry Genetics
Classification: Likely benign for Inborn genetic diseases. Last evaluated: 2025-06-24. Review status: criteria provided, single submitter. Criteria: Ambry Variant Classification Scheme 2023. Collection method: clinical testing. Allele origin: germline.

Blueprint Genetics
Classification: Uncertain significance. Last evaluated: 2023-06-15. Review status: criteria provided, single submitter. Criteria: ACMG Guidelines, 2015. Collection method: clinical testing. Allele origin: germline.

Labcorp Genetics (formerly Invitae), Labcorp
Classification: Uncertain significance. Last evaluated: 2022-10-23. Review status: criteria provided, single submitter. Criteria: Invitae Variant Classification Sherloc (09022015). Collection method: clinical testing. Allele origin: germline.
Comment: This sequence change replaces threonine, which is neutral and polar, with methionine, which is neutral and non-polar, at codon 1396 of the ASXL2 protein (p.Thr1396Met). This variant is present in population databases (rs750809033, gnomAD 0.006%). This variant has not been reported in the literature in individuals affected with ASXL2-related conditions. Advanced modeling of protein sequence and biophysical properties (such as structural, functional, and spatial information, amino acid conservation, physicochemical variation, residue mobility, and thermodynamic stability) performed at Invitae indicates that this missense variant is not expected to disrupt ASXL2 protein function. In summary, the available evidence is currently insufficient to determine the role of this variant in disease. Therefore, it has been classified as a Variant of Uncertain Significance.